The following is an entry in ClinVar:

ClinVar aggregate classification (germline): Likely benign (0 of 4 stars; one submission).

Conditions:
AFF4-related disorder. Also called: AFF4-related condition.

gnomAD v4.1: 3 of 1,613,992 alleles (0.00019%); highest among the groups gnomAD compares: Non-Finnish European, 0.00025%; no homozygotes.

Submission:

PreventionGenetics, part of Exact Sciences
Classification: Likely benign for AFF4-related condition. Last evaluated: 2024-07-17. Review status: no assertion criteria provided. Collection method: clinical testing. Allele origin: germline.
Comment: This variant is classified as likely benign based on ACMG/AMP sequence variant interpretation guidelines (Richards et al. 2015 PMID: 25741868, with internal and published modifications).

NM_014423.4(AFF4):c.69G>A (p.Gln23=)

Gene: AFF4 (ALF transcription elongation factor 4; minus strand). Cytogenetic location: 5q31.1.
Variant type: single nucleotide variant.
Coding change: c.69G>A on transcript NM_014423.4 (MANE Select); coding-DNA position 69, G replaced by A.
Protein change: p.Gln23=; no amino-acid change (glutamine 23 retained).
Molecular consequence: synonymous variant.
Genome position (GRCh38, 1-based): chr5:132,937,121, C>T on the plus strand (G>A on the coding strand, the complement: AFF4 is on the minus strand). VCF-style: chr5-132937121-C-T. GRCh37 (hg19) VCF-style: chr5-132272813-C-T.
Identifiers: ClinVar variation 3346817 (VCV003346817.1).
Genomic context (GRCh38, chr5:132,937,121, plus strand): 5'-ACTTACAACTTTGTATGGCTCTGCAAAGAGAGGAGAGCTAGGTGGGAAGGCGTCTTCGCC[C>T]TGCTGAATTTCCTGATTCCGCCTTTCCCGTTCTTTCATACGCAGCACATTCCGGTCTTCA-3'
Protein context (NP_055238.1, residues 13-33): ERERRNQEIQ[Gln23=]GEDAFPPSSP